The following is an entry in ClinVar:

NM_000744.7(CHRNA4):c.1421C>G (p.Pro474Arg)

Gene: CHRNA4 (cholinergic receptor nicotinic alpha 4 subunit; minus strand). Cytogenetic location: 20q13.33.
Variant type: single nucleotide variant.
Coding change: c.1421C>G on transcript NM_000744.7 (MANE Select); coding-DNA position 1421, C replaced by G.
Protein change: p.Pro474Arg; replaces proline 474 with arginine.
Molecular consequence: missense variant. On other transcripts: non-coding transcript variant (1).
Genome position (GRCh38, 1-based): chr20:63,349,990, G>C on the plus strand (C>G on the coding strand, the complement: CHRNA4 is on the minus strand). VCF-style: chr20-63349990-G-C. GRCh37 (hg19) VCF-style: chr20-61981342-G-C.
Other names: p.P474R:CCT>CGT; c.893C>G, p.Pro298Arg (NM_001256573.2); short protein forms P474R, P298R.
Identifiers: ClinVar variation 205029 (VCV000205029.40), dbSNP rs199778549, ClinGen allele CA313577.
Genomic context (GRCh38, chr20:63,349,990, plus strand): 5'-GGAACACAGTACTGGATGCTCCGAGACCGGCACCGGACGCCGCCTTCCACCGCTTCGCCA[G>C]GGCTGGACATGTGCTGGACGCTGAGGGACCTGGCTTTGGCCAGCCCTGGTGCCTGGGTGC-3'
Protein context (NP_000735.1, residues 464-484): RSLSVQHMSS[Pro474Arg]GEAVEGGVRC

ClinVar aggregate classification (germline): Likely benign. Review status: criteria provided, multiple submitters, no conflicts (2 of 4 stars). 6 submissions from 6 submitters: Likely benign (6). Last evaluated 2025-08-20.

Conditions:
Familial sleep-related hypermotor epilepsy. Also called: Autosomal Dominant Sleep-Related Hypermotor (Hyperkinetic) Epilepsy. Identifiers: Orphanet 98784, MedGen C3696898, MONDO:0000030.
Inborn genetic diseases. Identifiers: MedGen C0950123, MeSH D030342.

Allele frequency attached by ClinVar (database versions not stated): gnomAD 0.00002; TOPMed 0.00003; gnomAD exomes 0.00007 and 0.00019; ExAC 0.00026.
gnomAD v4.1: 263 of 1,550,934 alleles (0.017%); highest among the groups gnomAD compares: Non-Finnish European, 0.022%; no homozygotes.

Submissions (6):

Labcorp Genetics (formerly Invitae), Labcorp
Classification: Likely benign. Last evaluated: 2025-08-20. Review status: criteria provided, single submitter. Criteria: Invitae Variant Classification Sherloc (09022015). Collection method: clinical testing. Allele origin: germline.

Women's Health and Genetics/Laboratory Corporation of America, LabCorp
Classification: Likely benign. Last evaluated: 2024-03-05. Review status: criteria provided, single submitter. Criteria: LabCorp Variant Classification Summary - May 2015. Collection method: clinical testing. Allele origin: germline.
Comment: Variant summary: CHRNA4 c.1421C>G (p.Pro474Arg) results in a non-conservative amino acid change located in the Neurotransmitter-gated ion-channel transmembrane domain (IPR006029) of the encoded protein sequence. Four of five in-silico tools predict a benign effect of the variant on protein function. The variant allele was found at a frequency of 0.00022 in 1550934 control chromosomes in the gnomAD database. To our knowledge, no occurrence of c.1421C>G in individuals affected with Epilepsy, Nocturnal Frontal Lobe, Type 1 and no experimental evidence demonstrating its impact on protein function have been reported. ClinVar contains an entry for this variant (Variation ID: 205029). Based on the evidence outlined above, the variant was classified as likely benign.

Blueprint Genetics
Classification: Likely benign. Last evaluated: 2023-10-25. Review status: criteria provided, single submitter. Criteria: ACMG Guidelines, 2015. Collection method: clinical testing. Allele origin: germline.

CeGaT Center for Human Genetics Tuebingen
Classification: Likely benign. Last evaluated: 2023-06-01. Review status: criteria provided, single submitter. Criteria: CeGaT Center For Human Genetics Tuebingen Variant Classification Criteria Version 2. Collection method: clinical testing. Allele origin: germline. Affected: yes. Observed: 1 variant allele.
Comment: CHRNA4: BP4

Ambry Genetics
Classification: Likely benign for Inborn genetic diseases. Last evaluated: 2023-03-20. Review status: criteria provided, single submitter. Criteria: Ambry Variant Classification Scheme 2023. Collection method: clinical testing. Allele origin: germline.

GeneDx
Classification: Likely benign. Last evaluated: 2018-03-13. Review status: criteria provided, single submitter. Criteria: GeneDx Variant Classification (06012015). Collection method: clinical testing. Allele origin: germline. Affected: yes.
Comment: This variant is considered likely benign or benign based on one or more of the following criteria: it is a conservative change, it occurs at a poorly conserved position in the protein, it is predicted to be benign by multiple in silico algorithms, and/or has population frequency not consistent with disease.